The following is an entry in ClinVar:

NM_005413.4(SIX3):c.505T>C (p.Trp169Arg)

Gene: SIX3 (SIX homeobox 3; plus strand). Cytogenetic location: 2p21.
Variant type: single nucleotide variant.
Coding change: c.505T>C on transcript NM_005413.4 (MANE Select); coding-DNA position 505, T replaced by C.
Protein change: p.Trp169Arg; replaces tryptophan 169 with arginine.
Molecular consequence: missense variant.
Genome position (GRCh38, 1-based): chr2:44,942,609, T>C. VCF-style: chr2-44942609-T-C. GRCh37 (hg19) VCF-style: chr2-45169748-T-C.
Other names: short protein forms W169R.
Identifiers: ClinVar variation 3372152 (VCV003372152.1).

ClinVar aggregate classification (germline): Uncertain significance (1 of 4 stars; one submission).

Submission:

GeneDx
Classification: Uncertain significance. Last evaluated: 2024-04-04. Review status: criteria provided, single submitter. Criteria: GeneDx Variant Classification Process June 2021. Collection method: clinical testing. Allele origin: germline. Affected: yes.
Comment: Not observed at significant frequency in large population cohorts (gnomAD); In silico analysis supports that this missense variant has a deleterious effect on protein structure/function; Has not been previously published as pathogenic or benign to our knowledge